The following is an entry in ClinVar:

ClinVar aggregate classification (germline): Uncertain significance (1 of 4 stars; one submission).

Conditions:
FAM83H-related disorder. Also called: FAM83H-related condition.

Allele frequency attached by ClinVar (database versions not stated): gnomAD exomes below 0.00001.
gnomAD v4.1: 4 of 1,609,750 alleles (0.00025%); highest among the groups gnomAD compares: East Asian, 0.0022%; no homozygotes.

Submission:

PreventionGenetics, part of Exact Sciences
Classification: Uncertain significance for FAM83H-related condition. Last evaluated: 2022-12-01. Review status: criteria provided, single submitter. Criteria: ACMG Guidelines, 2015. Collection method: clinical testing. Allele origin: germline.
Comment: The FAM83H c.1406C>T variant is predicted to result in the amino acid substitution p.Pro469Leu. To our knowledge, this variant has not been reported in the literature or in a large population database, indicating this variant is rare. At this time, the clinical significance of this variant is uncertain due to the absence of conclusive functional and genetic evidence.

NM_198488.5(FAM83H):c.1406C>T (p.Pro469Leu)

Gene: FAM83H (family with sequence similarity 83 member H; minus strand). Cytogenetic location: 8q24.3.
Variant type: single nucleotide variant.
Coding change: c.1406C>T on transcript NM_198488.5 (MANE Select); coding-DNA position 1406, C replaced by T.
Protein change: p.Pro469Leu; replaces proline 469 with leucine.
Molecular consequence: missense variant.
Genome position (GRCh38, 1-based): chr8:143,728,055, G>A on the plus strand (C>T on the coding strand, the complement: FAM83H is on the minus strand). VCF-style: chr8-143728055-G-A. GRCh37 (hg19) VCF-style: chr8-144810225-G-A.
Other names: short protein forms P469L.
Identifiers: ClinVar variation 2635289 (VCV002635289.1), dbSNP rs1818374077, ClinGen allele CA372465567.